The following is an entry in ClinVar:

NM_005573.4(LMNB1):c.1528C>T (p.Pro510Ser)

Gene: LMNB1 (lamin B1; plus strand). Cytogenetic location: 5q23.2.
Variant type: single nucleotide variant.
Coding change: c.1528C>T on transcript NM_005573.4 (MANE Select); coding-DNA position 1528, C replaced by T.
Protein change: p.Pro510Ser; replaces proline 510 with serine.
Molecular consequence: missense variant. On other transcripts: non-coding transcript variant (1).
Genome position (GRCh38, 1-based): chr5:126,826,024, C>T. VCF-style: chr5-126826024-C-T. GRCh37 (hg19) VCF-style: chr5-126161716-C-T.
Other names: c.898C>T, p.Pro300Ser (NM_001198557.2); c.1528C>T (NM_005573.3); short protein forms P300S, P510S.
Identifiers: ClinVar variation 2420729 (VCV002420729.8), dbSNP rs765894554, ClinGen allele CA3390745.

ClinVar aggregate classification (germline): Uncertain significance. Review status: criteria provided, multiple submitters, no conflicts (2 of 4 stars). 3 submissions from 3 submitters: Uncertain significance (3). Last evaluated 2025-10-21.

Conditions:
Inborn genetic diseases. Identifiers: MedGen C0950123, MeSH D030342.
Adult-onset autosomal dominant demyelinating leukodystrophy. Identifiers: Orphanet 99027, MedGen C1868512, MONDO:0008215.

gnomAD v4.1: 6 of 1,613,960 alleles (0.00037%); highest among the groups gnomAD compares: Admixed American, 0.0033%; no homozygotes.

Submissions (3):

Ambry Genetics
Classification: Uncertain significance for Inborn genetic diseases. Last evaluated: 2025-10-21. Review status: criteria provided, single submitter. Criteria: Ambry Variant Classification Scheme 2023. Collection method: clinical testing. Allele origin: germline.

3billion
Classification: Uncertain significance for Leukodystrophy, demyelinating, adult-onset, autosomal dominant, typical. Last evaluated: 2024-03-14. Review status: criteria provided, single submitter. Criteria: ACMG Guidelines, 2015. Collection method: clinical testing. Allele origin: germline. Affected: yes.
Comment: The variant is observed at an extremely low frequency in the gnomAD v2.1.1 dataset (total allele frequency: 0.001%). Predicted Consequence/Location: Missense variant In silico tool predictions suggest damaging effect of the variant on gene or gene product [REVEL: 0.73 (>=0.6, sensitivity 0.68 and specificity 0.92)]. Therefore, this variant is classified as VUS according to the recommendation of ACMG/AMP guideline.

Labcorp Genetics (formerly Invitae), Labcorp
Classification: Uncertain significance. Last evaluated: 2022-08-02. Review status: criteria provided, single submitter. Criteria: Invitae Variant Classification Sherloc (09022015). Collection method: clinical testing. Allele origin: germline.
Comment: In summary, the available evidence is currently insufficient to determine the role of this variant in disease. Therefore, it has been classified as a Variant of Uncertain Significance. Algorithms developed to predict the effect of missense changes on protein structure and function are either unavailable or do not agree on the potential impact of this missense change (SIFT: "Deleterious"; PolyPhen-2: "Benign"; Align-GVGD: "Class C0"). This variant has not been reported in the literature in individuals affected with LMNB1-related conditions. This variant is present in population databases (rs765894554, gnomAD 0.006%). This sequence change replaces proline, which is neutral and non-polar, with serine, which is neutral and polar, at codon 510 of the LMNB1 protein (p.Pro510Ser).